The following is an entry in ClinVar:

ClinVar aggregate classification (germline): Uncertain significance (1 of 4 stars; one submission).

Conditions:
SEMA7A-related disorder. Also called: SEMA7A-related condition.

gnomAD v4.1: 112 of 1,613,626 alleles (0.0069%); highest among the groups gnomAD compares: South Asian, 0.097%; 1 homozygote.

Submission:

PreventionGenetics, part of Exact Sciences
Classification: Uncertain significance for SEMA7A-related condition. Last evaluated: 2026-04-21. Review status: criteria provided, single submitter. Criteria: ACMG Guidelines, 2015. Collection method: clinical testing. Allele origin: germline.
Comment: The SEMA7A c.1420C>T variant is predicted to result in the amino acid substitution p.Arg474Trp. However, this variant is reported in 0.075% of alleles in individuals of South Asian descent in gnomAD, which may be too frequent to be a primary cause of disease. Although we suspect that this variant may be benign, at this time, the clinical significance of this variant is uncertain due to the absence of conclusive functional and genetic evidence.

NM_003612.5(SEMA7A):c.1420C>T (p.Arg474Trp)

Gene: SEMA7A (semaphorin 7A (JohnMiltonHagen blood group); minus strand). Cytogenetic location: 15q24.1.
Variant type: single nucleotide variant.
Coding change: c.1420C>T on transcript NM_003612.5 (MANE Select); coding-DNA position 1420, C replaced by T.
Protein change: p.Arg474Trp; replaces arginine 474 with tryptophan.
Molecular consequence: missense variant.
Genome position (GRCh38, 1-based): chr15:74,411,887, G>A on the plus strand (C>T on the coding strand, the complement: SEMA7A is on the minus strand). VCF-style: chr15-74411887-G-A. GRCh37 (hg19) VCF-style: chr15-74704228-G-A.
Other names: c.1378C>T, p.Arg460Trp (NM_001146029.3); c.925C>T, p.Arg309Trp (NM_001146030.3); short protein forms R309W, R474W, R460W.
Identifiers: ClinVar variation 4978009 (VCV004978009.1).
Genomic context (GRCh38, chr15:74,411,887, plus strand): 5'-CCCTGTCCTCAGCTGCAGTCACTGCATAGCCCATGGGACGCAGTGGGGGAAGGCTCACCC[G>A]CTCAGCATCCAGCGACATGGTCTGGATGGCAGCCGCGCGGCGGAAGGGCTGGATCTCCAT-3'
Protein context (NP_003603.1, residues 464-484): AIQTMSLDAE[Arg474Trp]RKLYVSSQWE